The following is an entry in ClinVar:

NM_007294.4(BRCA1):c.5136G>T (p.Trp1712Cys)

Gene: BRCA1 (BRCA1 DNA repair associated; minus strand). Cytogenetic location: 17q21.31.
Variant type: single nucleotide variant.
Coding change: c.5136G>T on transcript NM_007294.4 (MANE Select); coding-DNA position 5136, G replaced by T.
Protein change: p.Trp1712Cys; replaces tryptophan 1712 with cysteine.
Molecular consequence: missense variant. On other transcripts: non-coding transcript variant (1).
Genome position (GRCh38, 1-based): chr17:43,063,890, C>A on the plus strand (G>T on the coding strand, the complement: BRCA1 is on the minus strand). VCF-style: chr17-43063890-C-A. GRCh37 (hg19) VCF-style: chr17-41215907-C-A.
Other names: c.4923G>T, p.Trp1641Cys (NM_001407571.1, NM_001407895.1, NM_001407896.1 and 12 more transcripts); c.5202G>T, p.Trp1734Cys (NM_001407581.1, NM_001407582.1); c.5199G>T, p.Trp1733Cys (NM_001407583.1, NM_001407585.1, NM_001407587.1 and 1 more transcripts); c.5196G>T, p.Trp1732Cys (NM_001407590.1, NM_001407591.1); c.5136G>T, p.Trp1712Cys (NM_001407593.1, NM_001407594.1, NM_001407596.1 and 7 more transcripts); c.5133G>T, p.Trp1711Cys (NM_001407610.1, NM_001407611.1, NM_001407622.1 and 17 more transcripts); c.5130G>T, p.Trp1710Cys (NM_001407627.1, NM_001407628.1, NM_001407629.1 and 14 more transcripts); c.5127G>T, p.Trp1709Cys (NM_001407644.1, NM_001407645.1); and 71 more; short protein forms W1733C, W608C, W1665C, W1712C, W1416C, W1558C, W1641C, W1663C.
Identifiers: ClinVar variation 868698 (VCV000868698.3), dbSNP rs80357418, ClinGen allele CA10591269.
Genomic context (GRCh38, chr17:43,063,890, plus strand): 5'-CTGAGGTGTTAAAGGGAGGAGGGGAGAAATAGTATTATACTTACAGAAATAGCTAACTAC[C>A]CATTTTCCTCCCGCAATTCCTAGAAAATATTTCAGTGTCCGTTCACACACAAACTCAGCA-3'
Protein context (NP_009225.1, residues 1702-1722): KYFLGIAGGK[Trp1712Cys]VVSYFWVTQS

Conditions:
Breast-ovarian cancer, familial, susceptibility to, 1 (BROVCA1). Also called: BRCA1 Hereditary Breast and Ovarian Cancer; OVARIAN CANCER, SUSCEPTIBILITY TO. Identifiers: Orphanet 145, MedGen C2676676, MONDO:0011450, OMIM 604370. Disease mechanism: loss of function.

Submission:

Brotman Baty Institute, University of Washington
No classification provided (evidence only). Condition: Breast-ovarian cancer, familial 1. Review status: no classification provided. Collection method: in vitro. Allele origin: not applicable. Functional consequence: functionally_normal.
ClinVar note: "not provided" was previously submitted as the classification for the variant. However, the classification appeared to be based only on an observation of functional data so it was converted to no classification on 2025-07-30.